The following is an entry in ClinVar:

ClinVar aggregate classification (germline): Conflicting classifications of pathogenicity. Review status: criteria provided, conflicting classifications (1 of 4 stars). 3 submissions from 3 submitters: Likely pathogenic (1); Uncertain significance (2). Last evaluated 2026-02-17.

Conditions:
Vici syndrome (VICIS). Identifiers: Orphanet 1493, MedGen C1855772, MONDO:0009452, OMIM 242840.

Allele frequency attached by ClinVar (database versions not stated): gnomAD exomes below 0.00001 and 0.00001; gnomAD 0.00001; TOPMed 0.00001.
gnomAD v4.1: 15 of 1,614,078 alleles (0.00093%); highest among the groups gnomAD compares: Non-Finnish European, 0.0013%; no homozygotes.

Submissions (3):

Women's Health and Genetics/Laboratory Corporation of America, LabCorp
Classification: Uncertain significance. Last evaluated: 2026-02-17. Review status: criteria provided, single submitter. Criteria: LabCorp Variant Classification Summary - May 2015. Collection method: clinical testing. Allele origin: germline.
Comment: Variant summary: EPG5 c.3044C>T (p.Ala1015Val) results in a non-conservative amino acid change in the encoded protein sequence. Algorithms developed to predict the effect of missense changes on protein structure and function are either unavailable or do not agree on the potential impact of this missense change. The variant allele was found at a frequency of 4e-06 in 249558 control chromosomes. The available data on variant occurrences in the general population are insufficient to allow any conclusion about variant significance.c.3044C>T has been reported in at least one compound heterozygous individual affected with Vici Syndrome (e.g. Hori_2017). These data do not allow any conclusion about variant significance. To our knowledge, no experimental evidence demonstrating an impact on protein function has been reported. The following publication has been ascertained in the context of this evaluation (PMID: 28615637). ClinVar contains an entry for this variant (Variation ID: 267458). Based on the evidence outlined above, the variant was classified as uncertain significance.

GeneDx
Classification: Likely pathogenic. Last evaluated: 2025-08-06. Review status: criteria provided, single submitter. Criteria: GeneDx Variant Classification Process June 2021. Collection method: clinical testing. Allele origin: germline. Affected: yes.
Comment: Not observed at significant frequency in large population cohorts (gnomAD); In silico analysis suggests that this missense variant does not alter protein structure/function; This variant is associated with the following publications: (PMID: 36305856, 28615637, 39164139)

Labcorp Genetics (formerly Invitae), Labcorp
Classification: Uncertain significance for Vici syndrome. Last evaluated: 2023-07-07. Review status: criteria provided, single submitter. Criteria: Invitae Variant Classification Sherloc (09022015). Collection method: clinical testing. Allele origin: germline.
Comment: In summary, the available evidence is currently insufficient to determine the role of this variant in disease. Therefore, it has been classified as a Variant of Uncertain Significance. Advanced modeling of protein sequence and biophysical properties (such as structural, functional, and spatial information, amino acid conservation, physicochemical variation, residue mobility, and thermodynamic stability) performed at Invitae indicates that this missense variant is not expected to disrupt EPG5 protein function. ClinVar contains an entry for this variant (Variation ID: 267458). This missense change has been observed in individual(s) with Vici syndrome (PMID: 28615637). In at least one individual the data is consistent with being in trans (on the opposite chromosome) from a pathogenic variant. This variant is present in population databases (no rsID available, gnomAD 0.002%). This sequence change replaces alanine, which is neutral and non-polar, with valine, which is neutral and non-polar, at codon 1015 of the EPG5 protein (p.Ala1015Val).

Literature cited by the submitters: PubMed 28615637 (cited by Women's Health and Genetics/Laboratory Corporation of America, LabCorp and Labcorp Genetics (formerly Invitae), Labcorp).

NM_020964.3(EPG5):c.3044C>T (p.Ala1015Val)

Gene: EPG5 (ectopic P-granules 5 autophagy tethering factor; minus strand). Cytogenetic location: 18q21.1.
Variant type: single nucleotide variant.
Coding change: c.3044C>T on transcript NM_020964.3 (MANE Select); coding-DNA position 3044, C replaced by T.
Protein change: p.Ala1015Val; replaces alanine 1015 with valine.
Molecular consequence: missense variant.
Genome position (GRCh38, 1-based): chr18:45,922,395, G>A on the plus strand (C>T on the coding strand, the complement: EPG5 is on the minus strand). VCF-style: chr18-45922395-G-A. GRCh37 (hg19) VCF-style: chr18-43502361-G-A.
Other names: c.3044C>T, p.Ala1015Val (LRG_1234t1); short protein forms A1015V.
Identifiers: ClinVar variation 267458 (VCV000267458.11), dbSNP rs1135402736, ClinGen allele CA402344084.